The following is an entry in ClinVar:

ClinVar aggregate classification (germline): Uncertain significance (1 of 4 stars; one submission).

Submission:

Women's Health and Genetics/Laboratory Corporation of America, LabCorp
Classification: Uncertain significance. Last evaluated: 2025-06-05. Review status: criteria provided, single submitter. Criteria: LabCorp Variant Classification Summary - May 2015. Collection method: clinical testing. Allele origin: germline.
Comment: Variant summary: PPP2R5D c.541C>T (p.Arg181Trp) results in a non-conservative amino acid change in the encoded protein sequence. Algorithms developed to predict the effect of missense changes on protein structure and function all suggest that this variant is likely to be disruptive. The variant was absent in 251450 control chromosomes (gnomAD). The available data on variant occurrences in the general population are insufficient to allow any conclusion about variant significance. To our knowledge, no occurrence of c.541C>T in individuals affected with Intellectual Disability-Macrocephaly Abnormalities Syndrome and no experimental evidence demonstrating its impact on protein function have been reported. No submitters have cited clinical-significance assessments for this variant to ClinVar. Based on the evidence outlined above, the variant was classified as uncertain significance.

NM_006245.4(PPP2R5D):c.541C>T (p.Arg181Trp)

Gene: PPP2R5D (protein phosphatase 2 regulatory subunit B'delta; plus strand). Cytogenetic location: 6p21.1.
Variant type: single nucleotide variant.
Coding change: c.541C>T on transcript NM_006245.4 (MANE Select); coding-DNA position 541, C replaced by T.
Protein change: p.Arg181Trp; replaces arginine 181 with tryptophan.
Molecular consequence: missense variant.
Genome position (GRCh38, 1-based): chr6:43,007,214, C>T. VCF-style: chr6-43007214-C-T. GRCh37 (hg19) VCF-style: chr6-42974952-C-T.
Other names: c.88C>T, p.Arg30Trp (NM_001270476.2); c.445C>T, p.Arg149Trp (NM_180976.3); c.223C>T, p.Arg75Trp (NM_180977.3); short protein forms R149W, R181W, R30W, R75W.
Identifiers: ClinVar variation 3907353 (VCV003907353.1).
Genomic context (GRCh38, chr6:43,007,214, plus strand): 5'-TGGAGAAGCCCAGGTGGAGCTCTAACTGGCCCTACCCCTCAGTTTTCAGTGAACCTCTTC[C>T]GGACGCTGCCACCTTCATCGAATCCCACAGGGGCTGAGTTTGACCCAGAGGAAGATGAGC-3'
Protein context (NP_006236.1, residues 171-191): AVTMFSVNLF[Arg181Trp]TLPPSSNPTG